The following is an entry in ClinVar:

ClinVar aggregate classification (germline): Uncertain significance (1 of 4 stars; one submission).

Conditions:
DICER1-related tumor predisposition. Also called: DICER1 syndrome; DICER1-related pleuropulmonary blastoma cancer predisposition syndrome. Identifiers: Orphanet 284343, MedGen C3839822, MONDO:0100216.

Submission:

Labcorp Genetics (formerly Invitae), Labcorp
Classification: Uncertain significance for DICER1-related tumor predisposition. Last evaluated: 2018-12-21. Review status: criteria provided, single submitter. Criteria: Invitae Variant Classification Sherloc (09022015). Collection method: clinical testing. Allele origin: germline.
Comment: Algorithms developed to predict the effect of missense changes on protein structure and function (SIFT, PolyPhen-2, Align-GVGD) all suggest that this variant is likely to be disruptive, but these predictions have not been confirmed by published functional studies and their clinical significance is uncertain. In summary, the available evidence is currently insufficient to determine the role of this variant in disease. Therefore, it has been classified as a Variant of Uncertain Significance. This variant has not been reported in the literature in individuals with DICER1-related conditions. This sequence change replaces isoleucine with serine at codon 1554 of the DICER1 protein (p.Ile1554Ser). The isoleucine residue is highly conserved and there is a large physicochemical difference between isoleucine and serine. This variant is not present in population databases (ExAC no frequency).

NM_177438.3(DICER1):c.4661T>G (p.Ile1554Ser)

Gene: DICER1 (dicer 1, ribonuclease III; minus strand). Cytogenetic location: 14q32.13.
Variant type: single nucleotide variant.
Coding change: c.4661T>G on transcript NM_177438.3 (MANE Select); coding-DNA position 4661, T replaced by G.
Protein change: p.Ile1554Ser; replaces isoleucine 1554 with serine.
Molecular consequence: missense variant.
Genome position (GRCh38, 1-based): chr14:95,096,259, A>C on the plus strand (T>G on the coding strand, the complement: DICER1 is on the minus strand). VCF-style: chr14-95096259-A-C. GRCh37 (hg19) VCF-style: chr14-95562596-A-C.
Other names: c.4661T>G, p.Ile1554Ser (NM_001195573.1, NM_001271282.3, NM_001291628.2 and 1 more transcripts); short protein forms I1554S.
Identifiers: ClinVar variation 654998 (VCV000654998.10), dbSNP rs1595340251, ClinGen allele CA390867579.